The following is an entry in ClinVar:

ClinVar aggregate classification (germline): Pathogenic (1 of 4 stars; one submission).

Conditions:
Bloom syndrome (BLM). Also called: Bloom-Torre-Machacek syndrome. Identifiers: Orphanet 125, MedGen C0005859, MONDO:0008876, OMIM 210900.

Submission:

Myriad Genetics, Inc.
Classification: Pathogenic for Bloom syndrome. Last evaluated: 2026-06-30. Review status: criteria provided, single submitter. Criteria: Myriad Autosomal Dominant, Autosomal Recessive and X-Linked Classification Criteria (2023). Collection method: clinical testing. Allele origin: unknown.
Comment: This variant is considered pathogenic. This variant creates a termination codon and is predicted to result in premature protein truncation.

NM_000057.4(BLM):c.3442A>T (p.Lys1148Ter)

Gene: BLM (BLM RecQ like helicase; plus strand). Cytogenetic location: 15q26.1.
Variant type: single nucleotide variant.
Coding change: c.3442A>T on transcript NM_000057.4 (MANE Select); coding-DNA position 3442, A replaced by T.
Protein change: p.Lys1148Ter; replaces lysine 1148 with a stop codon.
Molecular consequence: nonsense. On other transcripts: intron variant (1).
Genome position (GRCh38, 1-based): chr15:90,803,604, A>T. VCF-style: chr15-90803604-A-T. GRCh37 (hg19) VCF-style: chr15-91346834-A-T.
Other names: c.3442A>T, p.Lys1148Ter (NM_001287246.2); c.2317A>T, p.Lys773Ter (NM_001287248.2); c.3358+5267A>T (NM_001287247.2); short protein forms K1148*, K773*.
Identifiers: ClinVar variation 4876113 (VCV004876113.1).